The following is an entry in ClinVar:

NM_000548.5(TSC2):c.632C>T (p.Ser211Phe)

Gene: TSC2 (TSC complex subunit 2; plus strand). Cytogenetic location: 16p13.3.
Variant type: single nucleotide variant.
Coding change: c.632C>T on transcript NM_000548.5 (MANE Select); coding-DNA position 632, C replaced by T.
Protein change: p.Ser211Phe; replaces serine 211 with phenylalanine.
Molecular consequence: missense variant.
Genome position (GRCh38, 1-based): chr16:2,056,228, C>T. VCF-style: chr16-2056228-C-T. GRCh37 (hg19) VCF-style: chr16-2106229-C-T.
Other names: c.632C>T, p.Ser211Phe (NM_001077183.3, NM_001114382.3, NM_001363528.2 and 3 more transcripts); c.521C>T, p.Ser174Phe (NM_001318827.2); c.485C>T, p.Ser162Phe (NM_001318829.2); c.32C>T, p.Ser11Phe (NM_001318831.2); c.665C>T, p.Ser222Phe (NM_001318832.2); short protein forms S211F, S222F, S11F, S174F, S162F.
Identifiers: ClinVar variation 238090 (VCV000238090.22), dbSNP rs878854120, ClinGen allele CA10583283.

ClinVar aggregate classification (germline): Conflicting classifications of pathogenicity. Review status: criteria provided, conflicting classifications (1 of 4 stars). 5 submissions from 5 submitters: Uncertain significance (4); Benign (1). Last evaluated 2025-11-07.

Conditions:
Hereditary cancer-predisposing syndrome. Also called: Tumor predisposition; Hereditary Cancer Syndrome; Hereditary neoplastic syndrome; Neoplastic Syndromes, Hereditary. Identifiers: Orphanet 140162, MedGen C0027672, MeSH D009386, MONDO:0015356.
Isolated focal cortical dysplasia type II (FCORD2). Also called: Focal cortical dysplasia type II; CORTICAL DYSPLASIA OF TAYLOR. Identifiers: Orphanet 268994, MedGen C1846385, MONDO:0011818, OMIM 607341, HP:0032051.
Tuberous sclerosis 2 (TSC2). Identifiers: Orphanet 805, MedGen C1860707, MONDO:0013199, OMIM 613254.
Tuberous sclerosis syndrome (TSC). Also called: Tuberous Sclerosis Complex; Tuberous sclerosis. Identifiers: Orphanet 805, MedGen C0041341, MONDO:0001734.

Allele frequency attached by ClinVar (database versions not stated): gnomAD exomes below 0.00001; TOPMed 0.00001.
gnomAD v4.1: 1 of 1,614,084 alleles (0.000062%); highest among the groups gnomAD compares: Admixed American, 0.0017%; no homozygotes.

Submissions (5):

Ambry Genetics
Classification: Uncertain significance for Hereditary cancer-predisposing syndrome. Last evaluated: 2025-11-07. Review status: criteria provided, single submitter. Criteria: Ambry Variant Classification Scheme 2023. Collection method: clinical testing. Allele origin: germline.
Comment: The c.632C>T (p.S211F) alteration is located in exon 7 (coding exon 6) of the TSC2 gene. This alteration results from a C to T substitution at nucleotide position 632, causing the serine (S) at amino acid position 211 to be replaced by a phenylalanine (F). Based on data from gnomAD, the T allele has an overall frequency of <0.001% (1/249004) total alleles studied. The highest observed frequency was 0.003% (1/34584) of Latino alleles. Based on insufficient or conflicting evidence, the clinical significance of this alteration remains unclear.

Labcorp Genetics (formerly Invitae), Labcorp
Classification: Benign for Tuberous sclerosis 2. Last evaluated: 2025-03-26. Review status: criteria provided, single submitter. Criteria: Invitae Variant Classification Sherloc (09022015). Collection method: clinical testing. Allele origin: germline.

Baylor Genetics
Classification: Uncertain significance for Isolated focal cortical dysplasia type II. Last evaluated: 2024-02-19. Review status: criteria provided, single submitter. Criteria: ACMG Guidelines, 2015. Collection method: clinical testing. Allele origin: unknown.

All of Us Research Program, National Institutes of Health
Classification: Uncertain significance for Tuberous sclerosis syndrome. Last evaluated: 2023-11-30. Review status: criteria provided, single submitter. Criteria: ACMG Guidelines, 2015. Collection method: clinical testing. Allele origin: germline. Inheritance: Autosomal dominant inheritance. Observed: 1 variant allele, 1 heterozygote.
Comment: This study involves interpretation of variants in research participants for the purpose of population health screening. Participant phenotype was not available at the time of variant classification. Additional details can be found in publication PMID: 35346344, PMCID: PMC8962531

Genome-Nilou Lab
Classification: Uncertain significance for Tuberous sclerosis 2. Last evaluated: 2021-11-07. Review status: criteria provided, single submitter. Criteria: ACMG Guidelines, 2015. Collection method: clinical testing. Allele origin: germline. Affected: no.